The following is an entry in ClinVar:

ClinVar aggregate classification (germline): Uncertain significance. Review status: criteria provided, multiple submitters, no conflicts (2 of 4 stars). 3 submissions from 3 submitters: Uncertain significance (3). Last evaluated 2026-03-04.

Conditions:
SAG-related disorder. Also called: SAG-related disorders; SAG-related condition.
Retinal dystrophy. Also called: Inherited retinal dystrophy. Identifiers: Orphanet 71862, MedGen C0854723, MeSH D058499, MONDO:0019118, HP:0000556.

Allele frequency attached by ClinVar (database versions not stated): gnomAD 0.00003; TOPMed 0.00003; ESP Exome Variant Server 0.00016.
gnomAD v4.1: 24 of 1,606,210 alleles (0.0015%); highest among the groups gnomAD compares: South Asian, 0.0034%; no homozygotes.

Submissions (3):

PreventionGenetics, part of Exact Sciences
Classification: Uncertain significance for SAG-related condition. Last evaluated: 2026-03-04. Review status: criteria provided, single submitter. Criteria: ACMG Guidelines, 2015. Collection method: clinical testing. Allele origin: germline.
Comment: The SAG c.302C>T variant is predicted to result in the amino acid substitution p.Ala101Val. To our knowledge, this variant has not been reported in the literature. This variant is reported in 0.010% of alleles in individuals of Ashkenazi Jewish descent in gnomAD. At this time, the clinical significance of this variant is uncertain due to the absence of conclusive functional and genetic evidence.

Labcorp Genetics (formerly Invitae), Labcorp
Classification: Uncertain significance. Last evaluated: 2025-11-18. Review status: criteria provided, single submitter. Criteria: Invitae Variant Classification Sherloc (09022015). Collection method: clinical testing. Allele origin: germline.
Comment: This sequence change replaces alanine, which is neutral and non-polar, with valine, which is neutral and non-polar, at codon 101 of the SAG protein (p.Ala101Val). This variant is present in population databases (rs376397466, gnomAD 0.01%). This variant has not been reported in the literature in individuals affected with SAG-related conditions. ClinVar contains an entry for this variant (Variation ID: 2706190). Invitae Evidence Modeling of protein sequence and biophysical properties (such as structural, functional, and spatial information, amino acid conservation, physicochemical variation, residue mobility, and thermodynamic stability) indicates that this missense variant is not expected to disrupt SAG protein function with a negative predictive value of 80%. In summary, the available evidence is currently insufficient to determine the role of this variant in disease. Therefore, it has been classified as a Variant of Uncertain Significance.

Dept Of Ophthalmology, Nagoya University
Classification: Uncertain significance for Retinal dystrophy. Last evaluated: 2023-10-01. Review status: criteria provided, single submitter. Criteria: Submitter's publication. Collection method: research. Allele origin: germline. Affected: yes.

NM_000541.5(SAG):c.302C>T (p.Ala101Val)

Gene: SAG (S-antigen visual arrestin; plus strand). Cytogenetic location: 2q37.1.
Variant type: single nucleotide variant.
Coding change: c.302C>T on transcript NM_000541.5 (MANE Select); coding-DNA position 302, C replaced by T.
Protein change: p.Ala101Val; replaces alanine 101 with valine.
Molecular consequence: missense variant.
Genome position (GRCh38, 1-based): chr2:233,320,750, C>T. VCF-style: chr2-233320750-C-T. GRCh37 (hg19) VCF-style: chr2-234229396-C-T.
Other names: c.302C>T (NM_000541.4); short protein forms A101V.
Identifiers: ClinVar variation 2706190 (VCV002706190.5), dbSNP rs376397466, ClinGen allele CA2174327.